The following is an entry in ClinVar:

NM_003221.4(TFAP2B):c.1283T>C (p.Met428Thr)

Gene: TFAP2B (transcription factor AP-2 beta; plus strand). Cytogenetic location: 6p12.3.
Variant type: single nucleotide variant.
Coding change: c.1283T>C on transcript NM_003221.4 (MANE Select); coding-DNA position 1283, T replaced by C.
Protein change: p.Met428Thr; replaces methionine 428 with threonine.
Molecular consequence: missense variant.
Genome position (GRCh38, 1-based): chr6:50,843,292, T>C. VCF-style: chr6-50843292-T-C. GRCh37 (hg19) VCF-style: chr6-50811005-T-C.
Other names: short protein forms M428T.
Identifiers: ClinVar variation 3353962 (VCV003353962.1).

ClinVar aggregate classification (germline): Uncertain significance (0 of 4 stars; one submission).

Conditions:
TFAP2B-related disorder. Also called: TFAP2B-related condition.

gnomAD v4.1: 2 of 1,614,012 alleles (0.00012%); highest among the groups gnomAD compares: South Asian, 0.0011%; no homozygotes.

Submission:

PreventionGenetics, part of Exact Sciences
Classification: Uncertain significance for TFAP2B-related condition. Last evaluated: 2024-05-21. Review status: no assertion criteria provided. Collection method: clinical testing. Allele origin: germline.
Comment: The TFAP2B c.1283T>C variant is predicted to result in the amino acid substitution p.Met428Thr. To our knowledge, this variant has not been reported in the literature. This variant is reported in 0.0033% of alleles in individuals of South Asian descent in gnomAD. At this time, the clinical significance of this variant is uncertain due to the absence of conclusive functional and genetic evidence.